The following is an entry in ClinVar:

NM_139276.3(STAT3):c.2119A>G (p.Lys707Glu)

Gene: STAT3 (signal transducer and activator of transcription 3; minus strand). Cytogenetic location: 17q21.2.
Variant type: single nucleotide variant.
Coding change: c.2119A>G on transcript NM_139276.3 (MANE Select); coding-DNA position 2119, A replaced by G.
Protein change: p.Lys707Glu; replaces lysine 707 with glutamic acid.
Molecular consequence: missense variant.
Genome position (GRCh38, 1-based): chr17:42,317,207, T>C on the plus strand (A>G on the coding strand, the complement: STAT3 is on the minus strand). VCF-style: chr17-42317207-T-C. GRCh37 (hg19) VCF-style: chr17-40469225-T-C.
Other names: c.2119A>G, p.Lys707Glu (NM_001369512.1, NM_001369513.1, NM_001369517.1 and 2 more transcripts); c.2116A>G, p.Lys706Glu (NM_001369514.1, NM_001369516.1, NM_001369519.1 and 2 more transcripts); short protein forms K707E, K706E.
Identifiers: ClinVar variation 827745 (VCV000827745.4), dbSNP rs1598381169, ClinGen allele CA399580229.

ClinVar aggregate classification (germline): Conflicting classifications of pathogenicity. Review status: criteria provided, conflicting classifications (1 of 4 stars). 2 submissions from 2 submitters: Likely pathogenic (1); Uncertain significance (1). Last evaluated 2023-10-29.

Conditions:
Inherited Immunodeficiency Diseases. Identifiers: MedGen C5197805, MeSH D000081207.
STAT3 gain of function. Identifiers: MedGen C4288261.
Hyper-IgE recurrent infection syndrome 1, autosomal dominant. Also called: JOB SYNDROME; Job's Syndrome; STAT3 Hyper IgE Syndrome; Hyper-IgE recurrent infection syndrome 1; HYPER-IgE SYNDROME 1, AUTOSOMAL DOMINANT, WITH RECURRENT INFECTIONS. Identifiers: Orphanet 2314, MedGen C2936739, MONDO:0007818, OMIM 147060.

Submissions (2):

Labcorp Genetics (formerly Invitae), Labcorp
Classification: Uncertain significance for STAT3 gain of function; Hyper-IgE recurrent infection syndrome 1, autosomal dominant. Last evaluated: 2023-10-29. Review status: criteria provided, single submitter. Criteria: Invitae Variant Classification Sherloc (09022015). Collection method: clinical testing. Allele origin: germline.
Comment: This sequence change replaces lysine, which is basic and polar, with glutamic acid, which is acidic and polar, at codon 707 of the STAT3 protein (p.Lys707Glu). This variant is not present in population databases (gnomAD no frequency). This missense change has been observed in individual(s) with STAT3-related conditions (PMID: 32499645). ClinVar contains an entry for this variant (Variation ID: 827745). Advanced modeling of protein sequence and biophysical properties (such as structural, functional, and spatial information, amino acid conservation, physicochemical variation, residue mobility, and thermodynamic stability) performed at Invitae indicates that this missense variant is not expected to disrupt STAT3 protein function with a negative predictive value of 80%. In summary, the available evidence is currently insufficient to determine the role of this variant in disease. Therefore, it has been classified as a Variant of Uncertain Significance.

NIHR Bioresource Rare Diseases, University of Cambridge
Classification: Likely pathogenic for Inherited Immunodeficiency Diseases. Last evaluated: 2019-01-01. Review status: criteria provided, single submitter. Criteria: ACMG Guidelines, 2015. Collection method: research. Allele origin: germline. Affected: yes. Observed: 1 heterozygote.

Literature cited by the submitters: PubMed 32499645 (cited by Labcorp Genetics (formerly Invitae), Labcorp).